The following is an entry in ClinVar:

ClinVar aggregate classification (germline): Benign. Review status: criteria provided, multiple submitters, no conflicts (2 of 4 stars). 19 submissions from 19 submitters: Benign (12). 7 of the submissions do not count toward it. Last evaluated 2026-02-04.

Conditions:
Hereditary cancer-predisposing syndrome. Also called: Neoplastic Syndromes, Hereditary; Hereditary Cancer Syndrome; Tumor predisposition; Hereditary neoplastic syndrome. Identifiers: Orphanet 140162, MedGen C0027672, MeSH D009386, MONDO:0015356.
Breast and/or ovarian cancer. Identifiers: MedGen CN221562.
Hereditary breast ovarian cancer syndrome. Also called: BRCA1- and BRCA2-Associated Hereditary Breast and Ovarian Cancer; Hereditary breast and ovarian cancer syndrome; Hereditary breast and ovarian cancer syndrome (HBOC); Hereditary breast and/or ovarian cancer syndrome; Hereditary breast and ovarian cancer; Breast and ovarian cancer. Identifiers: Orphanet 145, MedGen C0677776, MeSH D061325, MONDO:0003582. Disease mechanism: loss of function.
Familial cancer of breast. Also called: BREAST CANCER, FAMILIAL; hereditary breast carcinoma; Hereditary breast cancer. Identifiers: Orphanet 227535, MedGen C0346153, MONDO:0016419, OMIM 114480. Disease mechanism: loss of function.
Malignant tumor of breast. Also called: Malignant breast neoplasm; Cancer breast. Identifiers: MedGen C0006142, MONDO:0007254. Disease mechanism: loss of function.
Ataxia-telangiectasia syndrome (AT). Also called: Ataxia-telangiectasia, complementation group D; AT, COMPLEMENTATION GROUP C; Ataxia-telangiectasia; ATAXIA-TELANGIECTASIA, COMPLEMENTATION GROUP A; ATAXIA-TELANGIECTASIA, FRESNO VARIANT; Ataxia-telangiectasia, complementation group E. Identifiers: Orphanet 100, MedGen C0004135, MONDO:0008840, OMIM 208900.

Allele frequency attached by ClinVar (database versions not stated): 1000 Genomes Project 0.01617; gnomAD 0.01112; ESP Exome Variant Server 0.01539; TOPMed 0.01379; 1000 Genomes Project 30x 0.01655.
gnomAD v4.1: 3,748 of 1,613,882 alleles (0.23%); highest among the groups gnomAD compares: African/African-American, 4.3%; 84 homozygotes.

Submissions (19):

Labcorp Genetics (formerly Invitae), Labcorp
Classification: Benign for Ataxia-telangiectasia syndrome. Last evaluated: 2026-02-04. Review status: criteria provided, single submitter. Criteria: Invitae Variant Classification Sherloc (09022015). Collection method: clinical testing. Allele origin: germline.

ARUP Laboratories, Molecular Genetics and Genomics, ARUP Laboratories
Classification: Benign. Last evaluated: 2025-07-07. Review status: criteria provided, single submitter. Criteria: ARUP Molecular Germline Variant Investigation Process 2024. Collection method: clinical testing. Allele origin: germline.

Center for Genomic Medicine, Rigshospitalet, Copenhagen University Hospital
Classification: Benign. Last evaluated: 2025-03-04. Review status: criteria provided, single submitter. Criteria: ACMG Guidelines, 2015. Collection method: clinical testing. Allele origin: germline.

KCCC/NGS Laboratory, Kuwait Cancer Control Center
Classification: Benign for Familial cancer of breast. Last evaluated: 2023-07-07. Review status: criteria provided, single submitter. Criteria: ACMG Guidelines, 2015. Collection method: clinical testing. Allele origin: germline. Affected: yes.

National Health Laboratory Service, Universitas Academic Hospital and University of the Free State
Classification: Benign for Hereditary breast ovarian cancer syndrome. Last evaluated: 2022-04-19. Review status: criteria provided, single submitter. Criteria: ACMG Guidelines, 2015. Collection method: clinical testing. Allele origin: germline. Affected: yes. Observed: 9 variant alleles.

CHEO Genetics Diagnostic Laboratory, Children's Hospital of Eastern Ontario
Classification: Benign for Breast and/or ovarian cancer. Last evaluated: 2021-07-02. Review status: criteria provided, single submitter. Criteria: ACMG Guidelines, 2015. Collection method: clinical testing. Allele origin: germline.

Illumina Laboratory Services, Illumina
Classification: Benign for Ataxia-telangiectasia syndrome. Last evaluated: 2018-01-12. Review status: criteria provided, single submitter. Criteria: ICSL Variant Classification Criteria 13 December 2019. Collection method: clinical testing. Allele origin: germline.
Comment: This variant was observed in the ICSL laboratory as part of a predisposition screen in an ostensibly healthy population. It had not been previously curated by ICSL or reported in the Human Gene Mutation Database (HGMD: prior to June 1st, 2018), and was therefore a candidate for classification through an automated scoring system. Utilizing variant allele frequency, disease prevalence and penetrance estimates, and inheritance mode, an automated score was calculated to assess if this variant is too frequent to cause the disease. Based on the score and internal cut-off values, a variant classified as benign is not then subjected to further curation. The score for this variant resulted in a classification of benign for this disease.

PreventionGenetics, part of Exact Sciences
Classification: Benign. Last evaluated: 2016-10-21. Review status: criteria provided, single submitter. Criteria: ACMG Guidelines, 2015. Collection method: clinical testing. Allele origin: germline.

Color Diagnostics, LLC DBA Color Health
Classification: Benign for Hereditary cancer-predisposing syndrome. Last evaluated: 2015-04-09. Review status: criteria provided, single submitter. Criteria: ACMG Guidelines, 2015. Collection method: clinical testing. Allele origin: germline.

GeneDx
Classification: Benign. Last evaluated: 2015-03-03. Review status: criteria provided, single submitter. Criteria: GeneDx Variant Classification Process June 2021. Collection method: clinical testing. Allele origin: germline. Affected: yes.

Ambry Genetics
Classification: Benign for Hereditary cancer-predisposing syndrome. Last evaluated: 2012-08-06. Review status: criteria provided, single submitter. Criteria: Ambry Autosomal Dominant and X-Linked criteria (10/2015). Collection method: clinical testing. Allele origin: germline. Observed: 1 variant allele.

Breakthrough Genomics
Classification: Benign. Review status: criteria provided, single submitter. Criteria: ACMG Guidelines, 2015. Collection method: not provided. Allele origin: germline. Inheritance: Autosomal recessive inheritance. Affected: yes.

Counsyl
Classification: Benign for Ataxia-telangiectasia syndrome. Last evaluated: 2018-01-19. Review status: no assertion criteria provided. Collection method: clinical testing. Allele origin: unknown. Not counted in ClinVar's aggregate classification.

Clinical Genetics Laboratory, Department of Pathology, Netherlands Cancer Institute
Classification: Benign. Review status: no assertion criteria provided. Collection method: clinical testing. Allele origin: germline. Affected: yes. Study: VKGL Data-share Consensus. Not counted in ClinVar's aggregate classification.

Clinical Genetics, Academic Medical Center
Classification: Benign. Review status: no assertion criteria provided. Collection method: clinical testing. Allele origin: germline. Affected: yes. Study: VKGL Data-share Consensus. Not counted in ClinVar's aggregate classification.

Department of Pathology and Laboratory Medicine, Sinai Health System
Classification: Benign for Malignant tumor of breast. Review status: no assertion criteria provided. Collection method: clinical testing. Allele origin: unknown. Affected: yes. Study: The Canadian Open Genetics Repository (COGR). Not counted in ClinVar's aggregate classification.
Comment: The ATM c.6572+12G>T, variant was not identified in the literature nor was it identified in the Cosmic, MutDB, LOVD 3.0, or ATM-LOVD databases. The variant was also identified in the following databases: dbSNP (ID: rs3218677) as "With Likely benign allele ", in ClinVar (classified 1x as benign, 1x as likely benign), and Clinvitae (classified 1x as benign, 1x as likely benign). The variant was identified in control databases in 1162 of 277152 chromosomes (31 homozygous) at a frequency of 0.004 increasing the likelihood this could be a low frequency benign variant (Genome Aggregation Consortium Feb 27, 2017). The variant was identified in the following populations at a frequency greater than 1%: African in 1054 of 24024 chromosomes (freq: 0.044). The variant occurs outside of the splicing consensus sequence and 1 of 5 in silico or computational prediction software programs (SpliceSiteFinder, MaxEntScan, NNSPLICE, GeneSplicer, HumanSpliceFinder) predict a greater than 10% difference in splicing which was the loss of a cryptic splice site; this is not very predictive of pathogenicity. In summary, based on the above information this variant meets our laboratory's criteria to be classified as benign.

Genome Diagnostics Laboratory, University Medical Center Utrecht
Classification: Benign. Review status: no assertion criteria provided. Collection method: clinical testing. Allele origin: germline. Affected: yes. Study: VKGL Data-share Consensus. Not counted in ClinVar's aggregate classification.

Joint Genome Diagnostic Labs from Nijmegen and Maastricht, Radboudumc and MUMC+
Classification: Benign. Review status: no assertion criteria provided. Collection method: clinical testing. Allele origin: germline. Affected: yes. Study: VKGL Data-share Consensus. Not counted in ClinVar's aggregate classification.

Laboratory of Diagnostic Genome Analysis, Leiden University Medical Center (LUMC)
Classification: Likely benign. Review status: no assertion criteria provided. Collection method: clinical testing. Allele origin: germline. Affected: yes. Study: VKGL Data-share Consensus. Not counted in ClinVar's aggregate classification.

NM_000051.4(ATM):c.6572+12G>T

Genes: ATM (ATM serine/threonine kinase; plus strand), C11orf65 (chromosome 11 open reading frame 65; minus strand). Cytogenetic location: 11q22.3.
Variant type: single nucleotide variant.
Coding change: c.6572+12G>T on transcript NM_000051.4 (MANE Select); 12 bases into the intron after coding-DNA position 6572, G replaced by T.
Molecular consequence: intron variant.
Genome position (GRCh38, 1-based): chr11:108,321,432, G>T. VCF-style: chr11-108321432-G-T. GRCh37 (hg19) VCF-style: chr11-108192159-G-T.
Other names: c.6572+12G>T (NM_001351834.2); c.641-12361C>A (NM_001330368.2); c.*39-12361C>A (NM_001351110.2).
Identifiers: ClinVar variation 140762 (VCV000140762.44), dbSNP rs3218677, ClinGen allele CA163512.